The following is an entry in ClinVar:

ClinVar aggregate classification (germline): Uncertain significance. Review status: criteria provided, multiple submitters, no conflicts (2 of 4 stars). 2 submissions from 2 submitters: Uncertain significance (2). Last evaluated 2025-06-25.

Conditions:
Cardiovascular phenotype. Identifiers: MedGen CN230736.
Legius syndrome. Identifiers: Orphanet 137605, MedGen C1969623, MONDO:0012669, OMIM 611431. Disease mechanism: loss of function.

Allele frequency attached by ClinVar (database versions not stated): gnomAD exomes below 0.00001.
gnomAD v4.1: 2 of 1,614,048 alleles (0.00012%); highest among the groups gnomAD compares: South Asian, 0.0011%; no homozygotes.

Submissions (2):

Ambry Genetics
Classification: Uncertain significance for Cardiovascular phenotype. Last evaluated: 2025-06-25. Review status: criteria provided, single submitter. Criteria: Ambry Variant Classification Scheme 2023. Collection method: clinical testing. Allele origin: germline.
Comment: The p.K46R variant (also known as c.137A>G), located in coding exon 2 of the SPRED1 gene, results from an A to G substitution at nucleotide position 137. The lysine at codon 46 is replaced by arginine, an amino acid with highly similar properties. This amino acid position is conserved. In addition, this alteration is predicted to be tolerated by in silico analysis. Based on the available evidence, the clinical significance of this variant remains unclear.

Labcorp Genetics (formerly Invitae), Labcorp
Classification: Uncertain significance for Legius syndrome. Last evaluated: 2025-06-09. Review status: criteria provided, single submitter. Criteria: Invitae Variant Classification Sherloc (09022015). Collection method: clinical testing. Allele origin: germline.
Comment: This sequence change replaces lysine, which is basic and polar, with arginine, which is basic and polar, at codon 46 of the SPRED1 protein (p.Lys46Arg). This variant is not present in population databases (gnomAD no frequency). This variant has not been reported in the literature in individuals affected with SPRED1-related conditions. ClinVar contains an entry for this variant (Variation ID: 2777564). Invitae Evidence Modeling of protein sequence and biophysical properties (such as structural, functional, and spatial information, amino acid conservation, physicochemical variation, residue mobility, and thermodynamic stability) indicates that this missense variant is not expected to disrupt SPRED1 protein function with a negative predictive value of 80%. In summary, the available evidence is currently insufficient to determine the role of this variant in disease. Therefore, it has been classified as a Variant of Uncertain Significance.

NM_152594.3(SPRED1):c.137A>G (p.Lys46Arg)

Gene: SPRED1 (sprouty related EVH1 domain containing 1; plus strand). Cytogenetic location: 15q14.
Variant type: single nucleotide variant.
Coding change: c.137A>G on transcript NM_152594.3 (MANE Select); coding-DNA position 137, A replaced by G.
Protein change: p.Lys46Arg; replaces lysine 46 with arginine.
Molecular consequence: missense variant.
Genome position (GRCh38, 1-based): chr15:38,299,477, A>G. VCF-style: chr15-38299477-A-G. GRCh37 (hg19) VCF-style: chr15-38591678-A-G.
Other names: c.137A>G (NM_152594.2); short protein forms K46R.
Identifiers: ClinVar variation 2777564 (VCV002777564.4), dbSNP rs2542661037, ClinGen allele CA391934244.